The following is an entry in ClinVar:

NM_182972.3(IRF2BP2):c.895G>A (p.Val299Ile)

Gene: IRF2BP2 (interferon regulatory factor 2 binding protein 2; minus strand). Cytogenetic location: 1q42.3.
Variant type: single nucleotide variant.
Coding change: c.895G>A on transcript NM_182972.3 (MANE Select); coding-DNA position 895, G replaced by A.
Protein change: p.Val299Ile; replaces valine 299 with isoleucine.
Molecular consequence: missense variant.
Genome position (GRCh38, 1-based): chr1:234,608,600, C>T on the plus strand (G>A on the coding strand, the complement: IRF2BP2 is on the minus strand). VCF-style: chr1-234608600-C-T. GRCh37 (hg19) VCF-style: chr1-234744346-C-T.
Other names: c.895G>A, p.Val299Ile (NM_001077397.1); short protein forms V299I.
Identifiers: ClinVar variation 2920148 (VCV002920148.3), dbSNP rs773925341, ClinGen allele CA1461739.

ClinVar aggregate classification (germline): Uncertain significance (1 of 4 stars; one submission).

Allele frequency attached by ClinVar (database versions not stated): gnomAD exomes below 0.00001; ExAC 0.00001.
gnomAD v4.1: 4 of 1,597,924 alleles (0.00025%); highest among the groups gnomAD compares: Non-Finnish European, 0.00026%; no homozygotes.

Submission:

Labcorp Genetics (formerly Invitae), Labcorp
Classification: Uncertain significance. Last evaluated: 2024-10-30. Review status: criteria provided, single submitter. Criteria: Invitae Variant Classification Sherloc (09022015). Collection method: clinical testing. Allele origin: germline.
Comment: This sequence change replaces valine, which is neutral and non-polar, with isoleucine, which is neutral and non-polar, at codon 299 of the IRF2BP2 protein (p.Val299Ile). The frequency data for this variant in the population databases is considered unreliable, as metrics indicate poor data quality at this position in the gnomAD database. This variant has not been reported in the literature in individuals affected with IRF2BP2-related conditions. ClinVar contains an entry for this variant (Variation ID: 2920148). An algorithm developed to predict the effect of missense changes on protein structure and function (PolyPhen-2) suggests that this variant is likely to be tolerated. In summary, the available evidence is currently insufficient to determine the role of this variant in disease. Therefore, it has been classified as a Variant of Uncertain Significance.